The following is an entry in ClinVar:

NM_015662.3(IFT172):c.4180C>G (p.Gln1394Glu)

Gene: IFT172 (intraflagellar transport 172; minus strand). Cytogenetic location: 2p23.3.
Variant type: single nucleotide variant.
Coding change: c.4180C>G on transcript NM_015662.3 (MANE Select); coding-DNA position 4180, C replaced by G.
Protein change: p.Gln1394Glu; replaces glutamine 1394 with glutamic acid.
Molecular consequence: missense variant.
Genome position (GRCh38, 1-based): chr2:27,449,543, G>C on the plus strand (C>G on the coding strand, the complement: IFT172 is on the minus strand). VCF-style: chr2-27449543-G-C. GRCh37 (hg19) VCF-style: chr2-27672410-G-C.
Other names: short protein forms Q1394E.
Identifiers: ClinVar variation 854218 (VCV000854218.13), dbSNP rs963343817, ClinGen allele CA44518865.

ClinVar aggregate classification (germline): Uncertain significance. Review status: criteria provided, multiple submitters, no conflicts (2 of 4 stars). 4 submissions from 4 submitters: Uncertain significance (3). 1 of the submissions does not count toward it. Last evaluated 2025-11-10.

Conditions:
Short-rib thoracic dysplasia 10 with or without polydactyly (SRTD10). Identifiers: Orphanet 474, MedGen C3810175, MONDO:0014284, OMIM 615630.
Retinitis pigmentosa 71 (RP71). Identifiers: Orphanet 791, MedGen C4225342, MONDO:0014618, OMIM 616394.
Inborn genetic diseases. Identifiers: MedGen C0950123, MeSH D030342.
IFT172-related disorder. Also called: IFT172-related condition; IFT172-related disorders.

Allele frequency attached by ClinVar (database versions not stated): gnomAD exomes below 0.00001; gnomAD 0.00001; TOPMed 0.00003.

Submissions (4):

Labcorp Genetics (formerly Invitae), Labcorp
Classification: Uncertain significance for Retinitis pigmentosa 71; Short-rib thoracic dysplasia 10 with or without polydactyly. Last evaluated: 2025-11-10. Review status: criteria provided, single submitter. Criteria: Invitae Variant Classification Sherloc (09022015). Collection method: clinical testing. Allele origin: germline.
Comment: This sequence change replaces glutamine, which is neutral and polar, with glutamic acid, which is acidic and polar, at codon 1394 of the IFT172 protein (p.Gln1394Glu). This variant is present in population databases (no rsID available, gnomAD 0.002%). This missense change has been observed in individual(s) with clinical features of retinitis pigmentosa (internal data). ClinVar contains an entry for this variant (Variation ID: 854218). Invitae Evidence Modeling of protein sequence and biophysical properties (such as structural, functional, and spatial information, amino acid conservation, physicochemical variation, residue mobility, and thermodynamic stability) indicates that this missense variant is not expected to disrupt IFT172 protein function with a negative predictive value of 95%. In summary, the available evidence is currently insufficient to determine the role of this variant in disease. Therefore, it has been classified as a Variant of Uncertain Significance.

Ambry Genetics
Classification: Uncertain significance for Inborn genetic diseases. Last evaluated: 2024-06-22. Review status: criteria provided, single submitter. Criteria: Ambry Variant Classification Scheme 2023. Collection method: clinical testing. Allele origin: germline.

Blueprint Genetics
Classification: Uncertain significance. Last evaluated: 2018-06-15. Review status: criteria provided, single submitter. Criteria: ACMG Guidelines, 2015. Collection method: clinical testing. Allele origin: germline.

PreventionGenetics, part of Exact Sciences
Classification: Uncertain significance for IFT172-related condition. Last evaluated: 2024-04-26. Review status: no assertion criteria provided. Collection method: clinical testing. Allele origin: germline. Not counted in ClinVar's aggregate classification.
Comment: The IFT172 c.4180C>G variant is predicted to result in the amino acid substitution p.Gln1394Glu. To our knowledge, this variant has not been reported in the literature. This variant is reported in 0.0015% of alleles in individuals of European (Non-Finnish) descent in gnomAD. At this time, the clinical significance of this variant is uncertain due to the absence of conclusive functional and genetic evidence.